The following is an entry in ClinVar:

NM_000059.4(BRCA2):c.7535T>C (p.Leu2512Pro)

Gene: BRCA2 (BRCA2 DNA repair associated; plus strand). Cytogenetic location: 13q13.1.
Variant type: single nucleotide variant.
Coding change: c.7535T>C on transcript NM_000059.4 (MANE Select); coding-DNA position 7535, T replaced by C.
Protein change: p.Leu2512Pro; replaces leucine 2512 with proline.
Molecular consequence: missense variant.
Genome position (GRCh38, 1-based): chr13:32,356,527, T>C. VCF-style: chr13-32356527-T-C. GRCh37 (hg19) VCF-style: chr13-32930664-T-C.
Other names: short protein forms L2512P.
Identifiers: ClinVar variation 827104 (VCV000827104.4), dbSNP rs1593919683, ClinGen allele CA387743607.

ClinVar aggregate classification (germline): Uncertain significance (1 of 4 stars; one submission).

Conditions:
Hereditary cancer-predisposing syndrome. Also called: Neoplastic Syndromes, Hereditary; Tumor predisposition; Hereditary neoplastic syndrome; Hereditary Cancer Syndrome. Identifiers: Orphanet 140162, MedGen C0027672, MeSH D009386, MONDO:0015356.

Submission:

Ambry Genetics
Classification: Uncertain significance for Hereditary cancer-predisposing syndrome. Last evaluated: 2019-03-20. Review status: criteria provided, single submitter. Criteria: Ambry Variant Classification Scheme 2023. Collection method: clinical testing. Allele origin: germline.
Comment: The p.L2512P variant (also known as c.7535T>C), located in coding exon 14 of the BRCA2 gene, results from a T to C substitution at nucleotide position 7535. The leucine at codon 2512 is replaced by proline, an amino acid with similar properties. This amino acid position is well conserved in available vertebrate species. In addition, this alteration is predicted to be deleterious by in silico analysis. Since supporting evidence is limited at this time, the clinical significance of this alteration remains unclear.

Literature cited by the submitters: PubMed 24884828.